The following is an entry in ClinVar:

GRCh38/hg38 1q44(chr1:247421061-248497504)x3

Genes: OR2T7 (olfactory receptor family 2 subfamily T member 7 (gene/pseudogene); plus strand), OR2W3 (olfactory receptor family 2 subfamily W member 3; plus strand), OR9H1 (olfactory receptor family 9 subfamily H member 1 (gene/pseudogene); plus strand), TRIM58 (tripartite motif containing 58; plus strand), OR2T8 (olfactory receptor family 2 subfamily T member 8; plus strand) and 46 more. Cytogenetic location: 1q44.
Variant type: copy number gain.
Change: copy number 3 (three copies instead of two) of chr1:247,421,061-248,497,504 (1.08 Mb, GRCh38 coordinates, 1-based), cytogenetic band 1q44.
Identifiers: ClinVar variation 4796429 (VCV004796429.1).

ClinVar aggregate classification (germline): Uncertain significance (1 of 4 stars; one submission).

Submission:

Medical Genetic Center, Changzhi Maternal and Child Health Care Hospital
Classification: Uncertain significance. Last evaluated: 2025-12-10. Review status: criteria provided, single submitter. Criteria: ACMG/ClinGen CNV Guidelines, 2019. Collection method: clinical testing. Allele origin: unknown.
Comment: 1A, NLRP3 partial duplication (NM_004895.5, exon 3-10)